The following is an entry in ClinVar:

ClinVar aggregate classification (germline): Uncertain significance (1 of 4 stars; one submission).

Conditions:
Paroxysmal nonkinesigenic dyskinesia. Also called: Paroxysmal non-kinesigenic dyskinesia. Identifiers: Orphanet 98810, MedGen C1869117, MONDO:0700088.

Allele frequency attached by ClinVar (database versions not stated): TOPMed below 0.00001; gnomAD 0.00001; gnomAD exomes 0.00001; ExAC 0.00002.
gnomAD v4.1: 13 of 1,602,544 alleles (0.00081%); highest among the groups gnomAD compares: South Asian, 0.0045%; no homozygotes.

Submission:

Labcorp Genetics (formerly Invitae), Labcorp
Classification: Uncertain significance for Paroxysmal nonkinesigenic dyskinesia. Last evaluated: 2023-10-17. Review status: criteria provided, single submitter. Criteria: Invitae Variant Classification Sherloc (09022015). Collection method: clinical testing. Allele origin: germline.
Comment: This sequence change replaces arginine, which is basic and polar, with tryptophan, which is neutral and slightly polar, at codon 186 of the PNKD protein (p.Arg186Trp). The frequency data for this variant in the population databases is considered unreliable, as metrics indicate poor data quality at this position in the gnomAD database. This variant has not been reported in the literature in individuals affected with PNKD-related conditions. ClinVar contains an entry for this variant (Variation ID: 2165650). Advanced modeling of protein sequence and biophysical properties (such as structural, functional, and spatial information, amino acid conservation, physicochemical variation, residue mobility, and thermodynamic stability) performed at Invitae indicates that this missense variant is not expected to disrupt PNKD protein function. In summary, the available evidence is currently insufficient to determine the role of this variant in disease. Therefore, it has been classified as a Variant of Uncertain Significance.

NM_015488.5(PNKD):c.556C>T (p.Arg186Trp)

Genes: CATIP-AS2 (CATIP antisense RNA 2; minus strand), PNKD (PNKD metallo-beta-lactamase domain containing; plus strand). Cytogenetic location: 2q35.
Variant type: single nucleotide variant.
Coding change: c.556C>T on transcript NM_015488.5 (MANE Select); coding-DNA position 556, C replaced by T.
Protein change: p.Arg186Trp; replaces arginine 186 with tryptophan.
Molecular consequence: missense variant.
Genome position (GRCh38, 1-based): chr2:218,341,565, C>T. VCF-style: chr2-218341565-C-T. GRCh37 (hg19) VCF-style: chr2-219206288-C-T.
Other names: c.484C>T, p.Arg162Trp (NM_022572.5); short protein forms R162W, R186W.
Identifiers: ClinVar variation 2165650 (VCV002165650.4), dbSNP rs750121779, ClinGen allele CA2104005.